The following is an entry in ClinVar:

ClinVar aggregate classification (germline): Conflicting classifications of pathogenicity. Review status: criteria provided, conflicting classifications (1 of 4 stars). 3 submissions from 3 submitters: Uncertain significance (2); Likely benign (1). Last evaluated 2025-10-09.

Conditions:
Dilated cardiomyopathy 1G (CMD1G). Identifiers: Orphanet 154, MedGen C1858763, MONDO:0011400, OMIM 604145.
Autosomal recessive limb-girdle muscular dystrophy type 2J (LGMDR10). Also called: MUSCULAR DYSTROPHY, LIMB-GIRDLE, AUTOSOMAL RECESSIVE 10; Limb-girdle muscular dystrophy, type 2J. Identifiers: Orphanet 140922, MedGen C1837342, MONDO:0012127, OMIM 608807.

Submissions (3):

Labcorp Genetics (formerly Invitae), Labcorp
Classification: Uncertain significance for Dilated cardiomyopathy 1G; Autosomal recessive limb-girdle muscular dystrophy type 2J. Last evaluated: 2025-10-09. Review status: criteria provided, single submitter. Criteria: Invitae Variant Classification Sherloc (09022015). Collection method: clinical testing. Allele origin: germline.
Comment: This sequence change replaces serine, which is neutral and polar, with arginine, which is basic and polar, at codon 35767 of the TTN protein (p.Ser35767Arg). This variant is not present in population databases (gnomAD no frequency). This variant has not been reported in the literature in individuals affected with TTN-related conditions. ClinVar contains an entry for this variant (Variation ID: 595561). An algorithm developed to predict the effect of missense changes on protein structure and function outputs the following: PolyPhen-2: "Not Available". The arginine amino acid residue is found in multiple mammalian species, which suggests that this missense change does not adversely affect protein function. This variant is located in the M band of TTN (PMID: 25589632). Non-truncating variants in this region may be relevant for neuromuscular disorders, but have not been definitively shown to cause cardiomyopathy (PMID: 23975875). In summary, the available evidence is currently insufficient to determine the role of this variant in disease. Therefore, it has been classified as a Variant of Uncertain Significance.

GeneDx
Classification: Likely benign. Last evaluated: 2018-04-09. Review status: criteria provided, single submitter. Criteria: GeneDx Variant Classification (06012015). Collection method: clinical testing. Allele origin: germline. Affected: yes.
Comment: This variant is considered likely benign or benign based on one or more of the following criteria: it is a conservative change, it occurs at a poorly conserved position in the protein, it is predicted to be benign by multiple in silico algorithms, and/or has population frequency not consistent with disease.

Eurofins Ntd Llc (ga)
Classification: Uncertain significance. Last evaluated: 2017-12-28. Review status: criteria provided, single submitter. Criteria: EGL Classification Definitions 2015. Collection method: clinical testing. Allele origin: germline. Observed: 1 variant allele, 1 heterozygote.

Literature cited by the submitters: PubMed 25589632 (cited by Labcorp Genetics (formerly Invitae), Labcorp); PubMed 23975875 (cited by Labcorp Genetics (formerly Invitae), Labcorp).

NM_001267550.2(TTN):c.107301C>A (p.Ser35767Arg)

Genes: TTN-AS1 (TTN antisense RNA 1; plus strand), TTN (titin; minus strand). Cytogenetic location: 2q31.2.
Variant type: single nucleotide variant.
Coding change: c.107301C>A on transcript NM_001267550.2 (MANE Select); coding-DNA position 107301, C replaced by A.
Protein change: p.Ser35767Arg; replaces serine 35767 with arginine.
Molecular consequence: missense variant.
Genome position (GRCh38, 1-based): chr2:178,528,350, G>T on the plus strand (C>A on the coding strand, the complement: TTN is on the minus strand). VCF-style: chr2-178528350-G-T. GRCh37 (hg19) VCF-style: chr2-179393077-G-T.
Other names: c.102378C>A, p.Ser34126Arg (NM_001256850.1); c.80106C>A, p.Ser26702Arg (NM_003319.4); c.99597C>A, p.Ser33199Arg (NM_133378.4); c.80481C>A, p.Ser26827Arg (NM_133432.3); c.80682C>A, p.Ser26894Arg (NM_133437.4); short protein forms S35767R, S33199R, S26702R, S26827R, S26894R, S34126R.
Identifiers: ClinVar variation 595561 (VCV000595561.9), dbSNP rs1558965303, ClinGen allele CA349401379.
Genomic context (GRCh38, chr2:178,528,350, plus strand): 5'-AGCTGTAGCTGAACACTGGCCACGGAAATTTTTGGCCTTAATTGTGTACTTTCCACTGTC[G>T]CTGACTGATGCATTTCGGATTTCAAGGGAGTATACATTTCTGGAGCGGCTTATGCTGACA-3'
Protein context (NP_001254479.2, residues 35757-35777): YSLEIRNASV[Ser35767Arg]DSGKYTIKAK